The following is an entry in ClinVar:

NM_000169.3(GLA):c.73del (p.Asp25fs)

Genes: GLA (galactosidase alpha; minus strand), RPL36A-HNRNPH2 (RPL36A-HNRNPH2 readthrough; plus strand). Cytogenetic location: Xq22.1.
Variant type: Deletion.
Coding change: c.73del on transcript NM_000169.3 (MANE Select); coding-DNA position 73, one base deleted (G; older notation c.73delG).
Protein change: p.Asp25fs; shifts the reading frame from aspartic acid 25.
Molecular consequence: frameshift variant. On other transcripts: non-coding transcript variant (3), intron variant (2).
Genome position (GRCh38, 1-based): chrX:101,407,831, C deleted on the plus strand (G on the coding strand, the reverse complement: GLA is on the minus strand); the first of 3 consecutive C bases (chrX:101,407,831-101,407,833); deleting any one gives the same sequence. VCF-style (leftmost placement, unchanged base first): chrX-101407830-TC-T. GRCh37 (hg19) VCF-style: chrX-100662818-TC-T.
Other names: c.73del, p.Asp25fs (NM_001406747.1, NM_001406748.1, NM_001406749.1); c.301-4103del (NM_001199973.2); c.178-4103del (NM_001199974.2); short protein forms D25fs.
Identifiers: ClinVar variation 4087253 (VCV004087253.2).

ClinVar aggregate classification (germline): Pathogenic (1 of 4 stars; one submission).

Conditions:
Fabry disease. Also called: ALPHA-GALACTOSIDASE A DEFICIENCY; ANDERSON-FABRY DISEASE; CERAMIDE TRIHEXOSIDASE DEFICIENCY; GLA DEFICIENCY; HEREDITARY DYSTOPIC LIPIDOSIS; Angiokeratoma corporis diffusum. Identifiers: Orphanet 324, MedGen C0002986, MONDO:0010526, OMIM 301500, HP:0001071. Disease mechanism: Fabry disease is due to inactivating mutations in the X-linked GLA gene resulting in deficiency of the enzyme Alpha Galactosidase-A., loss of function.

Submission:

Genomenon, Inc
Classification: Pathogenic for Fabry disease. Last evaluated: 2026-09-08. Review status: criteria provided, single submitter. Criteria: Genomenon Sequence Variant Interpretation Standards - Updated. Collection method: curation. Allele origin: germline. Affected: yes.
Comment: GLA p.Asp25ThrfsTer96 (c.73del) is a frameshift variant that is predicted to introduce a premature termination codon and result in a truncated or absent protein product. This variant has been observed in at least one proband with clinical features consistent with Fabry disease (PMID:24961278;33915609). Functional or patient cell studies have been reported (PMID:24961278;33915609). It is absent or not present at a significant frequency in gnomAD. In conclusion, we classify GLA p.Asp25ThrfsTer96 (c.73del) as a pathogenic variant.

Literature cited by the submitters: PubMed 24961278; PubMed 33915609.